The following is an entry in ClinVar:

NM_001365536.1(SCN9A):c.*2155G>A

Genes: SCN1A-AS1 (SCN1A and SCN9A antisense RNA 1; plus strand), SCN9A (sodium voltage-gated channel alpha subunit 9; minus strand). Cytogenetic location: 2q24.3.
Variant type: single nucleotide variant.
Coding change: c.*2155G>A on transcript NM_001365536.1 (MANE Select); 2155 bases downstream of the stop codon, G replaced by A.
Molecular consequence: 3 prime UTR variant.
Genome position (GRCh38, 1-based): chr2:166,196,517, C>T on the plus strand (G>A on the coding strand, the complement: SCN9A is on the minus strand). VCF-style: chr2-166196517-C-T. GRCh37 (hg19) VCF-style: chr2-167053027-C-T.
Other names: c.*2155G>A (NM_002977.4).
Identifiers: ClinVar variation 331919 (VCV000331919.6), dbSNP rs77565541, ClinGen allele CA10611595.
Genomic context (GRCh38, chr2:166,196,517, plus strand): 5'-CATATTTTTTATTTTACATAAAAACAAGGCAATGTAAAAACATTAATAGAAAATTACACA[C>T]GAACCTGTCAAACATCTTGTCTTACTACATTATGTAAGTATTCATAATGCAGTTATATTT-3'

ClinVar aggregate classification (germline): Benign. Review status: criteria provided, single submitter (1 of 4 stars). 3 submissions from 1 submitter: Benign (3). Last evaluated 2018-01-13.

Conditions:
Paroxysmal extreme pain disorder (PEXPD). Also called: PAIN, SUBMANDIBULAR, OCULAR, AND RECTAL, WITH FLUSHING; RECTAL PAIN, FAMILIAL; SCN9A Paroxysmal Extreme Pain Disorder (SCN9A-PEPD). Identifiers: Orphanet 46348, MedGen C1833661, MONDO:0008179, OMIM 167400.
Primary erythromelalgia. Also called: SCN9A Erythromelalgia (SCN9A-EM); primary erythermalgia. Identifiers: Orphanet 306577, Orphanet 90026, MedGen C0014805, MONDO:0007571, OMIM 133020.
Channelopathy-associated congenital insensitivity to pain, autosomal recessive. Also called: Insensitivity to pain, channelopathy-associated; ASYMBOLIA FOR PAIN; CONGENITAL ANALGESIA, AUTOSOMAL RECESSIVE. Identifiers: Orphanet 88642, Orphanet 970, MedGen C1855739, MONDO:0009459, OMIM 243000.

Allele frequency attached by ClinVar (database versions not stated): gnomAD 0.01172 and 0.01260; TOPMed 0.01285; 1000 Genomes Project 0.01398; 1000 Genomes Project 30x 0.01483.

Submissions (3):

Illumina Laboratory Services, Illumina
Classification: Benign for Channelopathy-associated congenital insensitivity to pain, autosomal recessive. Last evaluated: 2018-01-13. Review status: criteria provided, single submitter. Criteria: ICSL Variant Classification Criteria 13 December 2019. Collection method: clinical testing. Allele origin: germline.
Comment: This variant was observed in the ICSL laboratory as part of a predisposition screen in an ostensibly healthy population. It had not been previously curated by ICSL or reported in the Human Gene Mutation Database (HGMD: prior to June 1st, 2018), and was therefore a candidate for classification through an automated scoring system. Utilizing variant allele frequency, disease prevalence and penetrance estimates, and inheritance mode, an automated score was calculated to assess if this variant is too frequent to cause the disease. Based on the score and internal cut-off values, a variant classified as benign is not then subjected to further curation. The score for this variant resulted in a classification of benign for this disease.

Illumina Laboratory Services, Illumina
Classification: Benign for Paroxysmal extreme pain disorder. Last evaluated: 2018-01-13. Review status: criteria provided, single submitter. Criteria: ICSL Variant Classification Criteria 13 December 2019. Collection method: clinical testing. Allele origin: germline.
Comment: the same text as in the submission from Illumina Laboratory Services, Illumina above.

Illumina Laboratory Services, Illumina
Classification: Benign for Primary erythromelalgia. Last evaluated: 2018-01-13. Review status: criteria provided, single submitter. Criteria: ICSL Variant Classification Criteria 13 December 2019. Collection method: clinical testing. Allele origin: germline.
Comment: the same text as in the submission from Illumina Laboratory Services, Illumina above.